The following is an entry in ClinVar:

ClinVar aggregate classification (germline): Likely pathogenic (1 of 4 stars; one submission).

Conditions:
PLK4-related microcephaly and growth failure with or without ocular features.

Submission:

Illumina Laboratory Services, Illumina
Classification: Likely pathogenic for PLK4-related microcephaly and growth failure with or without ocular features. Last evaluated: 2020-08-07. Review status: criteria provided, single submitter. Criteria: ICSLVariantClassificationCriteria RUGD 01 April 2020. Collection method: clinical testing. Allele origin: unknown.
Comment: The PLK4 c.126+1G>A variant occurs in a canonical splice site (donor) and is therefore predicted to disrupt the normal gene product. A literature search was performed for the gene and cDNA change. No publications were found based on this search. This variant is not found in the Genome Aggregation Database in a region of good sequencing coverage, so the variant is presumed to be rare. Experimental data evaluating the impacts of the c.126+1G>A variant at the transcript and protein level are unavailable. Of note, while this variant has the potential to result in an in-frame event, it is also located within the protein kinase domain and is therefore predicted to be damaging. Based on the collective evidence and application of ACMG criteria, the c.126+1G>A variant is classified as likely pathogenic for PLK4-related microcephaly and growth failure with or without ocular features.

NM_014264.5(PLK4):c.126+1G>A

Gene: PLK4 (polo like kinase 4; plus strand). Cytogenetic location: 4q28.1.
Variant type: single nucleotide variant.
Coding change: c.126+1G>A on transcript NM_014264.5 (MANE Select); the canonical splice donor site of the intron after coding-DNA position 126, G replaced by A.
Molecular consequence: splice donor variant.
Genome position (GRCh38, 1-based): chr4:127,881,927, G>A. VCF-style: chr4-127881927-G-A. GRCh37 (hg19) VCF-style: chr4-128803082-G-A.
Other names: c.126+1G>A (NM_001190799.2); c.3+1G>A (NM_001190801.2).
Identifiers: ClinVar variation 989335 (VCV000989335.4), dbSNP rs1456235557, ClinGen allele CA358167236.